The following is an entry in ClinVar:

ClinVar aggregate classification (germline): Uncertain significance. Review status: criteria provided, multiple submitters, no conflicts (2 of 4 stars). 2 submissions from 2 submitters: Uncertain significance (2). Last evaluated 2025-03-20.

Allele frequency attached by ClinVar (database versions not stated): gnomAD exomes 0.00001 and 0.00002; gnomAD 0.00005 and 0.00006; TOPMed 0.00008.
gnomAD v4.1: 18 of 1,614,076 alleles (0.0011%); highest among the groups gnomAD compares: African/African-American, 0.023%; no homozygotes.

Submissions (2):

Ambry Genetics
Classification: Uncertain significance. Last evaluated: 2025-03-20. Review status: criteria provided, single submitter. Criteria: Ambry Variant Classification Scheme 2023. Collection method: clinical testing. Allele origin: germline.

Labcorp Genetics (formerly Invitae), Labcorp
Classification: Uncertain significance. Last evaluated: 2022-07-06. Review status: criteria provided, single submitter. Criteria: Invitae Variant Classification Sherloc (09022015). Collection method: clinical testing. Allele origin: germline.
Comment: This sequence change replaces tryptophan, which is neutral and slightly polar, with glycine, which is neutral and non-polar, at codon 509 of the RCBTB1 protein (p.Trp509Gly). This variant is present in population databases (rs769434044, gnomAD 0.02%). This variant has not been reported in the literature in individuals affected with RCBTB1-related conditions. ClinVar contains an entry for this variant (Variation ID: 1476639). Algorithms developed to predict the effect of missense changes on protein structure and function are either unavailable or do not agree on the potential impact of this missense change (SIFT: "Deleterious"; PolyPhen-2: "Benign"; Align-GVGD: "Class C0"). In summary, the available evidence is currently insufficient to determine the role of this variant in disease. Therefore, it has been classified as a Variant of Uncertain Significance.

NM_018191.4(RCBTB1):c.1525T>G (p.Trp509Gly)

Gene: RCBTB1 (RCC1 and BTB domain containing protein 1; minus strand). Cytogenetic location: 13q14.2.
Variant type: single nucleotide variant.
Coding change: c.1525T>G on transcript NM_018191.4 (MANE Select); coding-DNA position 1525, T replaced by G.
Protein change: p.Trp509Gly; replaces tryptophan 509 with glycine.
Molecular consequence: missense variant. On other transcripts: non-coding transcript variant (2).
Genome position (GRCh38, 1-based): chr13:49,534,193, A>C on the plus strand (T>G on the coding strand, the complement: RCBTB1 is on the minus strand). VCF-style: chr13-49534193-A-C. GRCh37 (hg19) VCF-style: chr13-50108329-A-C.
Other names: c.1525T>G (NM_018191.3); c.1525T>G, p.Trp509Gly (NM_001352500.2, NM_001352501.2, NM_001352502.2 and 1 more transcripts); c.946T>G, p.Trp316Gly (NM_001352506.2); short protein forms W316G, W509G.
Identifiers: ClinVar variation 1476639 (VCV001476639.7), dbSNP rs769434044, ClinGen allele CA6982529.
Genomic context (GRCh38, chr13:49,534,193, plus strand): 5'-AGGCTCCACATTTACTGGCTTTAGCAATGAATTCCTTTAGCAGAGGGCCATCCATTTGCC[A>C]AAATGCTGCAGTCTGTGTAACTTCTGTCAAATGATTGATGCAAAACTTAAAGCAGAATTC-3'
Protein context (NP_060661.3, residues 499-519): LTEVTQTAAF[Trp509Gly]QMDGPLLKEF